The following is an entry in ClinVar:

NM_020134.4(DPYSL5):c.655A>G (p.Ser219Gly)

Gene: DPYSL5 (dihydropyrimidinase like 5; plus strand). Cytogenetic location: 2p23.3.
Variant type: single nucleotide variant.
Coding change: c.655A>G on transcript NM_020134.4 (MANE Select); coding-DNA position 655, A replaced by G.
Protein change: p.Ser219Gly; replaces serine 219 with glycine.
Molecular consequence: missense variant.
Genome position (GRCh38, 1-based): chr2:26,928,309, A>G. VCF-style: chr2-26928309-A-G. GRCh37 (hg19) VCF-style: chr2-27151177-A-G.
Other names: c.655A>G, p.Ser219Gly (NM_001253723.2, NM_001253724.2); short protein forms S219G.
Identifiers: ClinVar variation 3361010 (VCV003361010.1).

ClinVar aggregate classification (germline): Uncertain significance (1 of 4 stars; one submission).

gnomAD v4.1: 2 of 1,613,986 alleles (0.00012%); highest among the groups gnomAD compares: Non-Finnish European, 0.00017%; no homozygotes.

Submission:

GeneDx
Classification: Uncertain significance. Last evaluated: 2024-02-29. Review status: criteria provided, single submitter. Criteria: GeneDx Variant Classification Process June 2021. Collection method: clinical testing. Allele origin: germline. Affected: yes.
Comment: Not observed at significant frequency in large population cohorts (gnomAD); In silico analysis supports that this missense variant has a deleterious effect on protein structure/function; Has not been previously published as pathogenic or benign to our knowledge